The following is an entry in ClinVar:

NM_016333.4(SRRM2):c.8259A>T (p.Ter2753Tyr)

Gene: SRRM2 (serine/arginine repetitive matrix 2; plus strand). Cytogenetic location: 16p13.3.
Variant type: single nucleotide variant.
Coding change: c.8259A>T on transcript NM_016333.4 (MANE Select); coding-DNA position 8259, A replaced by T.
Protein change: p.Ter2753Tyr.
Molecular consequence: stop lost.
Genome position (GRCh38, 1-based): chr16:2,770,867, A>T. VCF-style: chr16-2770867-A-T. GRCh37 (hg19) VCF-style: chr16-2820868-A-T.
Identifiers: ClinVar variation 4883228 (VCV004883228.2).

ClinVar aggregate classification (germline): Uncertain significance (1 of 4 stars; one submission).

Submission:

Dasa
Classification: Uncertain significance. Last evaluated: 2025-02-18. Review status: criteria provided, single submitter. Criteria: DASA Assertion Criteria. Collection method: clinical testing. Allele origin: germline.
Comment: NM_016333.4(SRRM2):c.8259A>T (p.*2753Tyrext*59) is a nonsense variant in SRRM2 predicted to introduce a premature termination codon. This variant is absent from population databases. The currently available literature and clinical evidence are not sufficient to establish a definitive association between this variant and the reported condition. Therefore, this variant is classified as a variant of uncertain significance.